The following is an entry in ClinVar:

NM_020884.7(MYH7B):c.741+16G>A

Gene: MYH7B (myosin heavy chain 7B; plus strand). Cytogenetic location: 20q11.22.
Variant type: single nucleotide variant.
Coding change: c.741+16G>A on transcript NM_020884.7 (MANE Select); 16 bases into the intron after coding-DNA position 741, G replaced by A.
Molecular consequence: intron variant.
Genome position (GRCh38, 1-based): chr20:34,984,962, G>A. VCF-style: chr20-34984962-G-A. GRCh37 (hg19) VCF-style: chr20-33572765-G-A.
Identifiers: ClinVar variation 4694796 (VCV004694796.1).
Genomic context (GRCh38, chr20:34,984,962, plus strand): 5'-TTTGGCAACGCCAAGACCCTGAGGAATGATAACTCCTCCCGCTTTGTGAGTGGCTGAGGT[G>A]GGAGGGGTGGCGGGGATGCCGTAGGCCACCAGCGGCAGGTCGGGCACAGGTGGGGACAGT-3'

ClinVar aggregate classification (germline): Uncertain significance (1 of 4 stars; one submission).

gnomAD v4.1: 15 of 1,611,988 alleles (0.00093%); highest among the groups gnomAD compares: Non-Finnish European, 0.0013%; no homozygotes.

Submission:

Labcorp Genetics (formerly Invitae), Labcorp
Classification: Uncertain significance. Last evaluated: 2025-03-29. Review status: criteria provided, single submitter. Criteria: Invitae Variant Classification Sherloc (09022015). Collection method: clinical testing. Allele origin: germline.
Comment: This sequence change falls in intron 12 of the MYH7B gene. It does not directly change the encoded amino acid sequence of the MYH7B protein. This variant is present in population databases (rs752818359, gnomAD 0.0009%). This variant has not been reported in the literature in individuals affected with MYH7B-related conditions. Algorithms developed to predict the effect of sequence changes on RNA splicing suggest that this variant may disrupt the consensus splice site. In summary, the available evidence is currently insufficient to determine the role of this variant in disease. Therefore, it has been classified as a Variant of Uncertain Significance.